The following is an entry in ClinVar:

NM_004281.4(BAG3):c.1674G>A (p.Ala558=)

Gene: BAG3 (BAG cochaperone 3; plus strand). Cytogenetic location: 10q26.11.
Variant type: single nucleotide variant.
Coding change: c.1674G>A on transcript NM_004281.4 (MANE Select); coding-DNA position 1674, G replaced by A.
Protein change: p.Ala558=; no amino-acid change (alanine 558 retained).
Molecular consequence: synonymous variant.
Genome position (GRCh38, 1-based): chr10:119,677,228, G>A. VCF-style: chr10-119677228-G-A. GRCh37 (hg19) VCF-style: chr10-121436740-G-A.
Identifiers: ClinVar variation 162788 (VCV000162788.24), dbSNP rs142981190, ClinGen allele CA175319.

ClinVar aggregate classification (germline): Conflicting classifications of pathogenicity. Review status: criteria provided, conflicting classifications (1 of 4 stars). 8 submissions from 7 submitters: Uncertain significance (1); Benign (1); Likely benign (6). Last evaluated 2026-01-19.

Conditions:
Cardiovascular phenotype. Identifiers: MedGen CN230736.
Dilated cardiomyopathy 1HH (CMD1HH). Identifiers: Orphanet 154, MedGen C3151293, MONDO:0013479, OMIM 613881.
Myofibrillar myopathy 6. Identifiers: Orphanet 199340, MedGen C2751831, MONDO:0013061, OMIM 612954.

Allele frequency attached by ClinVar (database versions not stated): gnomAD exomes 0.00004; ExAC 0.00006; 1000 Genomes Project 30x 0.00016; TOPMed 0.00019; 1000 Genomes Project 0.00020; gnomAD 0.00020 and 0.00021; ESP Exome Variant Server 0.00023.
gnomAD v4.1: 67 of 1,614,100 alleles (0.0042%); highest among the groups gnomAD compares: African/African-American, 0.069%; no homozygotes.

Submissions (8):

Labcorp Genetics (formerly Invitae), Labcorp
Classification: Likely benign for Dilated cardiomyopathy 1HH; Myofibrillar myopathy 6. Last evaluated: 2026-01-19. Review status: criteria provided, single submitter. Criteria: Invitae Variant Classification Sherloc (09022015). Collection method: clinical testing. Allele origin: germline.

Women's Health and Genetics/Laboratory Corporation of America, LabCorp
Classification: Benign. Last evaluated: 2024-03-28. Review status: criteria provided, single submitter. Criteria: LabCorp Variant Classification Summary - May 2015. Collection method: clinical testing. Allele origin: germline.

Blueprint Genetics
Classification: Likely benign. Last evaluated: 2021-04-06. Review status: criteria provided, single submitter. Criteria: ACMG Guidelines, 2015. Collection method: clinical testing. Allele origin: germline.

GeneDx
Classification: Likely benign. Last evaluated: 2020-04-17. Review status: criteria provided, single submitter. Criteria: GeneDx Variant Classification Process June 2021. Collection method: clinical testing. Allele origin: germline. Affected: yes.

Ambry Genetics
Classification: Likely benign for Cardiovascular phenotype. Last evaluated: 2018-02-07. Review status: criteria provided, single submitter. Criteria: Ambry Variant Classification Scheme 2023. Collection method: clinical testing. Allele origin: germline.

Illumina Laboratory Services, Illumina
Classification: Uncertain significance for Dilated cardiomyopathy 1HH. Last evaluated: 2018-01-13. Review status: criteria provided, single submitter. Criteria: ICSL Variant Classification Criteria 13 December 2019. Collection method: clinical testing. Allele origin: germline.

Illumina Laboratory Services, Illumina
Classification: Likely benign for Myofibrillar myopathy 6. Last evaluated: 2018-01-13. Review status: criteria provided, single submitter. Criteria: ICSL Variant Classification Criteria 13 December 2019. Collection method: clinical testing. Allele origin: germline.
Comment: This variant was observed in the ICSL laboratory as part of a predisposition screen in an ostensibly healthy population. It had not been previously curated by ICSL or reported in the Human Gene Mutation Database (HGMD: prior to June 1st, 2018), and was therefore a candidate for classification through an automated scoring system. Utilizing variant allele frequency, disease prevalence and penetrance estimates, and inheritance mode, an automated score was calculated to assess if this variant is too frequent to cause the disease. Based on the score and internal cut-off values, a variant classified as likely benign is not then subjected to further curation. The score for this variant resulted in a classification of likely benign for this disease.

Laboratory for Molecular Medicine, Mass General Brigham Personalized Medicine
Classification: Likely benign. Last evaluated: 2017-05-31. Review status: criteria provided, single submitter. Criteria: LMM Criteria. Collection method: clinical testing. Allele origin: germline. Observed: 2 variant alleles.
Comment: p.Ala558Ala in exon 4 of BAG3: This variant is not expected to have clinical sig nificance because it does not alter an amino acid residue and is not located wit hin the splice consensus sequence. This variant has been identified in 14/24026 African chromosomes by the Genome Aggregation Database (gnomAD; dbSNP rs142981190).